The following is an entry in ClinVar:

ClinVar aggregate classification (germline): Uncertain significance. Review status: criteria provided, multiple submitters, no conflicts (2 of 4 stars). 2 submissions from 2 submitters: Uncertain significance (2). Last evaluated 2023-07-29.

Conditions:
DICER1-related tumor predisposition. Also called: DICER1 syndrome; DICER1-related pleuropulmonary blastoma cancer predisposition syndrome. Identifiers: Orphanet 284343, MedGen C3839822, MONDO:0100216.
Hereditary cancer-predisposing syndrome. Also called: Neoplastic Syndromes, Hereditary; Hereditary Cancer Syndrome; Tumor predisposition; Hereditary neoplastic syndrome. Identifiers: Orphanet 140162, MedGen C0027672, MeSH D009386, MONDO:0015356.

Submissions (2):

Labcorp Genetics (formerly Invitae), Labcorp
Classification: Uncertain significance for DICER1-related tumor predisposition. Last evaluated: 2023-07-29. Review status: criteria provided, single submitter. Criteria: Invitae Variant Classification Sherloc (09022015). Collection method: clinical testing. Allele origin: germline.
Comment: This variant is not present in population databases (gnomAD no frequency). In summary, the available evidence is currently insufficient to determine the role of this variant in disease. Therefore, it has been classified as a Variant of Uncertain Significance. An algorithm developed to predict the effect of missense changes on protein structure and function (PolyPhen-2) suggests that this variant is likely to be tolerated. ClinVar contains an entry for this variant (Variation ID: 2566165). This variant has not been reported in the literature in individuals affected with DICER1-related conditions. This sequence change replaces glutamic acid, which is acidic and polar, with glycine, which is neutral and non-polar, at codon 1608 of the DICER1 protein (p.Glu1608Gly).

Ambry Genetics
Classification: Uncertain significance for Hereditary cancer-predisposing syndrome. Last evaluated: 2023-04-08. Review status: criteria provided, single submitter. Criteria: Ambry Variant Classification Scheme 2023. Collection method: clinical testing. Allele origin: germline.
Comment: The p.E1608G variant (also known as c.4823A>G), located in coding exon 22 of the DICER1 gene, results from an A to G substitution at nucleotide position 4823. The glutamic acid at codon 1608 is replaced by glycine, an amino acid with similar properties. This amino acid position is conserved. In addition, the in silico prediction for this alteration is inconclusive. Since supporting evidence is limited at this time, the clinical significance of this alteration remains unclear.

NM_177438.3(DICER1):c.4823A>G (p.Glu1608Gly)

Gene: DICER1 (dicer 1, ribonuclease III; minus strand). Cytogenetic location: 14q32.13.
Variant type: single nucleotide variant.
Coding change: c.4823A>G on transcript NM_177438.3 (MANE Select); coding-DNA position 4823, A replaced by G.
Protein change: p.Glu1608Gly; replaces glutamic acid 1608 with glycine.
Molecular consequence: missense variant. On other transcripts: non-coding transcript variant (6).
Genome position (GRCh38, 1-based): chr14:95,096,097, T>C on the plus strand (A>G on the coding strand, the complement: DICER1 is on the minus strand). VCF-style: chr14-95096097-T-C. GRCh37 (hg19) VCF-style: chr14-95562434-T-C.
Other names: c.4823A>G, p.Glu1608Gly (NM_001195573.1, NM_001271282.3, NM_001291628.2 and 13 more transcripts); c.4541A>G, p.Glu1514Gly (NM_001395686.1); c.4418A>G, p.Glu1473Gly (NM_001395687.1, NM_001395688.1, NM_001395689.1 and 2 more transcripts); c.4256A>G, p.Glu1419Gly (NM_001395691.1); c.3140A>G, p.Glu1047Gly (NM_001395697.1); short protein forms E1047G, E1608G, E1514G, E1419G, E1473G.
Identifiers: ClinVar variation 2566165 (VCV002566165.5), dbSNP rs2139842628, ClinGen allele CA390866955.